The following is an entry in ClinVar:

ClinVar aggregate classification (germline): Uncertain significance (1 of 4 stars; one submission).

Conditions:
Inborn genetic diseases. Identifiers: MedGen C0950123, MeSH D030342.

gnomAD v4.1: 3 of 1,613,442 alleles (0.00019%); highest among the groups gnomAD compares: Non-Finnish European, 0.00025%; no homozygotes.

Submission:

Ambry Genetics
Classification: Uncertain significance for Inborn genetic diseases. Last evaluated: 2024-12-12. Review status: criteria provided, single submitter. Criteria: Ambry Variant Classification Scheme 2023. Collection method: clinical testing. Allele origin: germline.
Comment: The p.H431N variant (also known as c.1291C>A), located in coding exon 1 of the SAMD9L gene, results from a C to A substitution at nucleotide position 1291. The histidine at codon 431 is replaced by asparagine, an amino acid with similar properties. This amino acid position is conserved. In addition, this alteration is predicted to be tolerated by in silico analysis. Based on the available evidence, the clinical significance of this variant remains unclear.

NM_152703.5(SAMD9L):c.1291C>A (p.His431Asn)

Gene: SAMD9L (sterile alpha motif domain containing 9 like; minus strand). Cytogenetic location: 7q21.2.
Variant type: single nucleotide variant.
Coding change: c.1291C>A on transcript NM_152703.5 (MANE Select); coding-DNA position 1291, C replaced by A.
Protein change: p.His431Asn; replaces histidine 431 with asparagine.
Molecular consequence: missense variant.
Genome position (GRCh38, 1-based): chr7:93,134,681, G>T on the plus strand (C>A on the coding strand, the complement: SAMD9L is on the minus strand). VCF-style: chr7-93134681-G-T. GRCh37 (hg19) VCF-style: chr7-92763994-G-T.
Other names: c.1291C>A, p.His431Asn (NM_001303496.3, NM_001303497.3, NM_001303498.3 and 5 more transcripts); short protein forms H431N.
Identifiers: ClinVar variation 3792183 (VCV003792183.1).